The following is an entry in ClinVar:

NM_198994.3(TGM6):c.481A>G (p.Ser161Gly)

Gene: TGM6 (transglutaminase 6; plus strand). Cytogenetic location: 20p13.
Variant type: single nucleotide variant.
Coding change: c.481A>G on transcript NM_198994.3 (MANE Select); coding-DNA position 481, A replaced by G.
Protein change: p.Ser161Gly; replaces serine 161 with glycine.
Molecular consequence: missense variant.
Genome position (GRCh38, 1-based): chr20:2,396,562, A>G. VCF-style: chr20-2396562-A-G. GRCh37 (hg19) VCF-style: chr20-2377208-A-G.
Other names: c.481A>G, p.Ser161Gly (NM_001254734.2); short protein forms S161G.
Identifiers: ClinVar variation 712866 (VCV000712866.15), dbSNP rs141930579, ClinGen allele CA9731668.

ClinVar aggregate classification (germline): Benign/Likely benign. Review status: criteria provided, multiple submitters, no conflicts (2 of 4 stars). 5 submissions from 5 submitters: Benign (3); Likely benign (2). Last evaluated 2025-10-06.

Conditions:
Spinocerebellar ataxia type 35. Identifiers: Orphanet 276193, MedGen C3888031, MONDO:0013485, OMIM 613908.
Inborn genetic diseases. Identifiers: MedGen C0950123, MeSH D030342.

Allele frequency attached by ClinVar (database versions not stated): gnomAD exomes 0.00025 and 0.00081; 1000 Genomes Project 30x 0.00062; 1000 Genomes Project 0.00080; ExAC 0.00100; gnomAD 0.00321 and 0.00348; TOPMed 0.00366; ESP Exome Variant Server 0.00531.
gnomAD v4.1: 871 of 1,614,236 alleles (0.054%); highest among the groups gnomAD compares: African/African-American, 1%; 7 homozygotes.

Submissions (5):

Labcorp Genetics (formerly Invitae), Labcorp
Classification: Benign. Last evaluated: 2025-10-06. Review status: criteria provided, single submitter. Criteria: Invitae Variant Classification Sherloc (09022015). Collection method: clinical testing. Allele origin: germline.

Blueprint Genetics
Classification: Likely benign. Last evaluated: 2024-09-04. Review status: criteria provided, single submitter. Criteria: ACMG Guidelines, 2015. Collection method: clinical testing. Allele origin: germline.

Ambry Genetics
Classification: Likely benign for Inborn genetic diseases. Last evaluated: 2021-10-05. Review status: criteria provided, single submitter. Criteria: Ambry Variant Classification Scheme 2023. Collection method: clinical testing. Allele origin: germline.

Illumina Laboratory Services, Illumina
Classification: Benign for Spinocerebellar ataxia type 35. Last evaluated: 2018-01-12. Review status: criteria provided, single submitter. Criteria: ICSL Variant Classification Criteria 13 December 2019. Collection method: clinical testing. Allele origin: germline.
Comment: This variant was observed in the ICSL laboratory as part of a predisposition screen in an ostensibly healthy population. It had not been previously curated by ICSL or reported in the Human Gene Mutation Database (HGMD: prior to June 1st, 2018), and was therefore a candidate for classification through an automated scoring system. Utilizing variant allele frequency, disease prevalence and penetrance estimates, and inheritance mode, an automated score was calculated to assess if this variant is too frequent to cause the disease. Based on the score and internal cut-off values, a variant classified as benign is not then subjected to further curation. The score for this variant resulted in a classification of benign for this disease.

Breakthrough Genomics
Classification: Benign. Review status: criteria provided, single submitter. Criteria: ACMG Guidelines, 2015. Collection method: not provided. Allele origin: germline. Inheritance: Autosomal dominant inheritance. Affected: yes.